The following is an entry in ClinVar:

ClinVar aggregate classification (germline): Likely pathogenic. Review status: criteria provided, single submitter (1 of 4 stars). 2 submissions from 2 submitters: Likely pathogenic (1). 1 of the submissions does not count toward it. Last evaluated 2026-06-30.

Conditions:
Autosomal dominant optic atrophy classic form (OPA1). Also called: KJER-TYPE OPTIC ATROPHY; OPTIC ATROPHY, JUVENILE; Optic Atrophy Type 1. Identifiers: Orphanet 98673, MedGen C0338508, MONDO:0008134, OMIM 165500.
Optic atrophy. Identifiers: MedGen C0029124, MONDO:0003608, HP:0000648.

Submissions (2):

Institute of Human Genetics, University of Leipzig Medical Center
Classification: Likely pathogenic for Autosomal dominant optic atrophy classic form. Last evaluated: 2026-06-30. Review status: criteria provided, single submitter. Criteria: ACMG Guidelines, 2015. Collection method: clinical testing. Allele origin: unknown. Inheritance: Autosomal dominant inheritance. Affected: yes.
Comment: Criteria applied: PVS1_STR,PS4_MOD,PM2

Institute of Human Genetics, Univ. Regensburg, Univ. Regensburg
Classification: Pathogenic for Optic atrophy. Last evaluated: 2019-01-01. Review status: no assertion criteria provided. Criteria: ACMG Guidelines, 2015. Collection method: clinical testing. Allele origin: germline. Affected: yes. Not counted in ClinVar's aggregate classification.

NM_130837.3(OPA1):c.1305+2T>G

Gene: OPA1 (OPA1 mitochondrial dynamin like GTPase; plus strand). Cytogenetic location: 3q29.
Variant type: single nucleotide variant.
Coding change: c.1305+2T>G on transcript NM_130837.3 (MANE Select); the canonical splice donor site of the intron after coding-DNA position 1305, T replaced by G.
Molecular consequence: splice donor variant.
Genome position (GRCh38, 1-based): chr3:193,643,051, T>G. VCF-style: chr3-193643051-T-G. GRCh37 (hg19) VCF-style: chr3-193360840-T-G.
Other names: c.768+2T>G (NM_001354664.2); c.771+2T>G (NM_001354663.2); c.1194+2T>G (NM_130834.3); c.1251+2T>G (NM_130836.3); c.1140+2T>G (NM_015560.3); c.1197+2T>G (NM_130835.3); c.1086+2T>G (NM_130832.3); c.1143+2T>G (NM_130833.3); and 1 more.
Identifiers: ClinVar variation 3250060 (VCV003250060.3).
Genomic context (GRCh38, chr3:193,643,051, plus strand): 5'-ATGAAATAGAACTTCGAATGAGGAAAAATGTGAAAGAAGGCTGTACCGTTAGCCCTGAGG[T>G]AAGGGTTGCAATTCATTTCAGTGACGTTTTATGGAAATTAAATGTTTATGATTTCAAATA-3'